The following is an entry in ClinVar:

NM_006306.4(SMC1A):c.1393A>T (p.Met465Leu)

Gene: SMC1A (structural maintenance of chromosomes 1A; minus strand). Cytogenetic location: Xp11.22.
Variant type: single nucleotide variant.
Coding change: c.1393A>T on transcript NM_006306.4 (MANE Select); coding-DNA position 1393, A replaced by T.
Protein change: p.Met465Leu; replaces methionine 465 with leucine.
Molecular consequence: missense variant.
Genome position (GRCh38, 1-based): chrX:53,409,214, T>A on the plus strand (A>T on the coding strand, the complement: SMC1A is on the minus strand). VCF-style: chrX-53409214-T-A. GRCh37 (hg19) VCF-style: chrX-53436145-T-A.
Other names: c.1327A>T, p.Met443Leu (NM_001281463.1); short protein forms M443L, M465L.
Identifiers: ClinVar variation 3378380 (VCV003378380.1).

ClinVar aggregate classification (germline): Uncertain significance (1 of 4 stars; one submission).

Submission:

GeneDx
Classification: Uncertain significance. Last evaluated: 2024-05-16. Review status: criteria provided, single submitter. Criteria: GeneDx Variant Classification Process June 2021. Collection method: clinical testing. Allele origin: germline. Affected: yes.
Comment: Not observed at significant frequency in large population cohorts (gnomAD); Missense variants in this gene are a common cause of disease and they are underrepresented in the general population; In silico analysis indicates that this missense variant does not alter protein structure/function; Has not been previously published as pathogenic or benign to our knowledge